The following is an entry in ClinVar:

NM_000157.4(GBA1):c.1322T>C (p.Ile441Thr)

Genes: GBA1 (glucosylceramidase beta 1; minus strand), LOC106627981 (GBA recombination region; plus strand). Cytogenetic location: 1q22.
Variant type: single nucleotide variant.
Coding change: c.1322T>C on transcript NM_000157.4 (MANE Select); coding-DNA position 1322, T replaced by C.
Protein change: p.Ile441Thr; replaces isoleucine 441 with threonine.
Molecular consequence: missense variant.
Genome position (GRCh38, 1-based): chr1:155,235,747, A>G on the plus strand (T>C on the coding strand, the complement: GBA1 is on the minus strand). VCF-style: chr1-155235747-A-G. GRCh37 (hg19) VCF-style: chr1-155205538-A-G.
Other names: c.1322T>C, p.Ile441Thr (NM_001005741.3, NM_001005742.3); c.1061T>C, p.Ile354Thr (NM_001171811.2); c.1175T>C, p.Ile392Thr (NM_001171812.2); short protein forms I354T, I392T, I441T.
Identifiers: ClinVar variation 4817713 (VCV004817713.1).

ClinVar aggregate classification (germline): Likely pathogenic (1 of 4 stars; one submission).

Conditions:
Gaucher disease. Also called: Acute cerebral Gaucher disease; Cerebroside lipidosis syndrome; Gaucher splenomegaly; Sphingolipidosis 1; Glucocerebrosidosis; Glucosylceramidase deficiency. Identifiers: Orphanet 355, MedGen C0017205, MONDO:0018150.

gnomAD v4.1: 1 of 1,614,160 alleles (0.000062%); highest among the groups gnomAD compares: Non-Finnish European, 0.000085%; no homozygotes.

Submission:

Natera, Inc.
Classification: Likely pathogenic for Gaucher disease. Last evaluated: 2025-05-25. Review status: criteria provided, single submitter. Criteria: Natera Variant Classification Schema (03/2026). Collection method: clinical testing. Allele origin: germline.
Comment: The c.1322T>C variant in GBA1 is a missense variant predicted to cause substitution of isoleucine to threonine at amino acid 441. This variant is rare in the general population with a frequency below the threshold expected for the associated phenotype(s). This variant has been observed in one or more individuals affected with the associated recessive disease, as either homozygous or compound heterozygous with a second variant (PMID: 34649574, 31816052, 32702516, 33606887, 15146461, 9182788). Functional studies show that this variant may disrupt protein function (PMID: 19167250). Computational prediction algorithms indicate this variant is likely to affect gene or protein function. Given the available evidence, this variant is classified as Likely Pathogenic.

Literature cited by the submitters: PubMed 34649574; PubMed 31816052; PubMed 32702516; PubMed 33606887; PubMed 15146461; PubMed 9182788; PubMed 19167250.